The following is an entry in ClinVar:

NC_000003.11:g.(?_195997266)_(195997402_?)del

Gene: PCYT1A (phosphate cytidylyltransferase 1A, choline; minus strand). Cytogenetic location: 3q29.
Variant type: Deletion.
Identifiers: ClinVar variation 1375005 (VCV001375005.5).

ClinVar aggregate classification (germline): Uncertain significance (1 of 4 stars; one submission).

Submission:

Labcorp Genetics (formerly Invitae), Labcorp
Classification: Uncertain significance. Last evaluated: 2022-07-21. Review status: criteria provided, single submitter. Criteria: Invitae Variant Classification Sherloc (09022015). Collection method: clinical testing. Allele origin: germline.
Comment: In summary, the available evidence is currently insufficient to determine the role of this variant in disease. Therefore, it has been classified as a Variant of Uncertain Significance. This variant has not been reported in the literature in individuals affected with PCYT1A-related conditions. This variant is a gross deletion of the genomic region encompassing exon(s) 3 of the PCYT1A gene, which includes the initiator codon. This deletion extends beyond the assayed region for this gene and therefore may encompass additional genes. It is expected to result in an absent or disrupted protein product. However, the current clinical and genetic evidence is not sufficient to establish whether loss-of-function variants in PCYT1A cause disease.